The following is an entry in ClinVar:

ClinVar aggregate classification (germline): Uncertain significance. Review status: criteria provided, multiple submitters, no conflicts (2 of 4 stars). 5 submissions from 5 submitters: Uncertain significance (4). 1 of the submissions does not count toward it. Last evaluated 2022-09-06.

Conditions:
GNPTG-mucolipidosis. Also called: ML III GAMMA; ML IIIC; Mucolipidosis type III gamma; MUCOLIPIDOSIS III, COMPLEMENTATION GROUP C; MUCOLIPIDOSIS III, IRANIAN VARIANT FORM; MUCOLIPIDOSIS III, VARIANT FORM. Identifiers: Orphanet 423470, Orphanet 577, MedGen C1854896, MONDO:0009652, OMIM 252605.

Allele frequency attached by ClinVar (database versions not stated): gnomAD exomes 0.00008; ExAC 0.00009; TOPMed 0.00038; gnomAD 0.00039 and 0.00043; ESP Exome Variant Server 0.00062.
gnomAD v4.1: 96 of 1,612,524 alleles (0.006%); highest among the groups gnomAD compares: African/African-American, 0.11%; no homozygotes.

Submissions (5):

Labcorp Genetics (formerly Invitae), Labcorp
Classification: Uncertain significance. Last evaluated: 2022-09-06. Review status: criteria provided, single submitter. Criteria: Invitae Variant Classification Sherloc (09022015). Collection method: clinical testing. Allele origin: germline.
Comment: This sequence change affects codon 175 of the GNPTG mRNA. It is a 'silent' change, meaning that it does not change the encoded amino acid sequence of the GNPTG protein. It affects a nucleotide within the consensus splice site. This variant is present in population databases (rs144136497, gnomAD 0.1%). This variant has not been reported in the literature in individuals affected with GNPTG-related conditions. ClinVar contains an entry for this variant (Variation ID: 317886). Algorithms developed to predict the effect of sequence changes on RNA splicing suggest that this variant is not likely to affect RNA splicing. In summary, the available evidence is currently insufficient to determine the role of this variant in disease. Therefore, it has been classified as a Variant of Uncertain Significance.

Blueprint Genetics
Classification: Uncertain significance. Last evaluated: 2022-04-19. Review status: criteria provided, single submitter. Criteria: ACMG Guidelines, 2015. Collection method: clinical testing. Allele origin: germline.

Genome-Nilou Lab
Classification: Uncertain significance for GNPTG-mucolipidosis. Last evaluated: 2021-11-07. Review status: criteria provided, single submitter. Criteria: ACMG Guidelines, 2015. Collection method: clinical testing. Allele origin: germline. Affected: no.

Illumina Laboratory Services, Illumina
Classification: Uncertain significance for GNPTG-mucolipidosis. Last evaluated: 2018-01-12. Review status: criteria provided, single submitter. Criteria: ICSL Variant Classification Criteria 13 December 2019. Collection method: clinical testing. Allele origin: germline.

Natera, Inc.
Classification: Uncertain significance for Mucolipidosis III gamma. Last evaluated: 2019-10-28. Review status: no assertion criteria provided. Collection method: clinical testing. Allele origin: germline. Not counted in ClinVar's aggregate classification.

NM_032520.5(GNPTG):c.525A>C (p.Leu175=)

Gene: GNPTG (N-acetylglucosamine-1-phosphate transferase subunit gamma; plus strand). Cytogenetic location: 16p13.3.
Variant type: single nucleotide variant.
Coding change: c.525A>C on transcript NM_032520.5 (MANE Select); coding-DNA position 525, A replaced by C.
Protein change: p.Leu175=; no amino-acid change (leucine 175 retained).
Molecular consequence: synonymous variant.
Genome position (GRCh38, 1-based): chr16:1,362,319, A>C. VCF-style: chr16-1362319-A-C. GRCh37 (hg19) VCF-style: chr16-1412320-A-C.
Identifiers: ClinVar variation 317886 (VCV000317886.14), dbSNP rs144136497, ClinGen allele CA7807753.